The following is an entry in ClinVar:

NM_001035.3(RYR2):c.3883A>G (p.Ser1295Gly)

Genes: RYR2 (ryanodine receptor 2; plus strand), LOC126806067 (BRD4-independent group 4 enhancer GRCh37_chr1:237753258-237754457; plus strand). Cytogenetic location: 1q43.
Variant type: single nucleotide variant.
Coding change: c.3883A>G on transcript NM_001035.3 (MANE Select); coding-DNA position 3883, A replaced by G.
Protein change: p.Ser1295Gly; replaces serine 1295 with glycine.
Molecular consequence: missense variant.
Genome position (GRCh38, 1-based): chr1:237,590,715, A>G. VCF-style: chr1-237590715-A-G. GRCh37 (hg19) VCF-style: chr1-237754015-A-G.
Other names: c.3883A>G, p.Ser1295Gly (LRG_402t1); short protein forms S1295G.
Identifiers: ClinVar variation 532318 (VCV000532318.39), dbSNP rs200574919, ClinGen allele CA072160.

ClinVar aggregate classification (germline): Conflicting classifications of pathogenicity. Review status: criteria provided, conflicting classifications (1 of 4 stars). 11 submissions from 11 submitters: Uncertain significance (6); Likely benign (3). 2 of the submissions do not count toward it. Last evaluated 2026-05-11.

Conditions:
Arrhythmogenic right ventricular dysplasia 2. Identifiers: MedGen C1832931.
Catecholaminergic polymorphic ventricular tachycardia 1. Also called: VENTRICULAR TACHYCARDIA, CATECHOLAMINERGIC POLYMORPHIC, 1, WITH OR WITHOUT ATRIAL DYSFUNCTION AND/OR DILATED CARDIOMYOPATHY; RYR2-Related Catecholaminergic Polymorphic Ventricular Tachycardia; VENTRICULAR TACHYCARDIA, STRESS-INDUCED POLYMORPHIC 1. Identifiers: Orphanet 3286, MedGen C1631597, MONDO:0011484, OMIM 604772.
Ventricular arrhythmias due to cardiac ryanodine receptor calcium release deficiency syndrome. Also called: Autosomal dominant cardiac arrhythmia (Kuhn). Identifiers: MedGen C5542154, MONDO:0020745, OMIM 115000.
Catecholaminergic polymorphic ventricular tachycardia (CVPT). Also called: Catecholamine-induced polymorphic ventricular tachycardia. Identifiers: Orphanet 3286, MedGen C5574922, MONDO:0017990.
Cardiovascular phenotype. Identifiers: MedGen CN230736.
Cardiomyopathy (CMYO). Also called: Cardiomyopathies. Identifiers: Orphanet 167848, MedGen C0878544, MONDO:0004994, HP:0001638. Inheritance: Various modes of inheritance.

Allele frequency attached by ClinVar (database versions not stated): ExAC 0.00006; gnomAD exomes 0.00009 and 0.00008; TOPMed 0.00007; gnomAD 0.00009 and 0.00010.
gnomAD v4.1: 138 of 1,608,548 alleles (0.0086%); highest among the groups gnomAD compares: Non-Finnish European, 0.011%; no homozygotes.

Submissions (11):

Women's Health and Genetics/Laboratory Corporation of America, LabCorp
Classification: Likely benign. Last evaluated: 2026-05-11. Review status: criteria provided, single submitter. Criteria: LabCorp Variant Classification Summary - May 2015. Collection method: clinical testing. Allele origin: germline.
Comment: Variant summary: RYR2 c.3883A>G (p.Ser1295Gly) results in a non-conservative amino acid change in the encoded protein sequence. Algorithms developed to predict the effect of missense changes on protein structure and function all suggest that this variant is likely to be disruptive. The variant allele was found at a frequency of 0.0036 in 245715 control chromosomes. The observed variant frequency exceeds the estimated maximal expected allele frequency for disease-causing variants in RYR2. To our knowledge, no occurrence of c.3883A>G in individuals affected with RYR2-related conditions and no experimental evidence demonstrating its impact on protein function have been reported. The following publication has been ascertained in the context of this evaluation (PMID: 35819174). ClinVar contains an entry for this variant (Variation ID: 532318). Based on the evidence outlined above, the variant was classified as likely benign.

GeneDx
Classification: Uncertain significance. Last evaluated: 2026-03-03. Review status: criteria provided, single submitter. Criteria: GeneDx Variant Classification Process June 2021. Collection method: clinical testing. Allele origin: germline.
Comment: In silico analysis suggests that this missense variant does not alter protein structure/function; Has not been previously published as pathogenic or benign to our knowledge; Not located in one of the three hot-spot regions of the RYR2 gene, where the majority of pathogenic missense variants occur (PMID: 19926015); This variant is associated with the following publications: (PMID: 19926015)

Labcorp Genetics (formerly Invitae), Labcorp
Classification: Likely benign for Catecholaminergic polymorphic ventricular tachycardia 1. Last evaluated: 2026-01-25. Review status: criteria provided, single submitter. Criteria: Invitae Variant Classification Sherloc (09022015). Collection method: clinical testing. Allele origin: germline.

Ambry Genetics
Classification: Uncertain significance for Cardiovascular phenotype. Last evaluated: 2025-12-19. Review status: criteria provided, single submitter. Criteria: Ambry Variant Classification Scheme 2023. Collection method: clinical testing. Allele origin: germline.
Comment: The p.S1295G variant (also known as c.3883A>G), located in coding exon 31 of the RYR2 gene, results from an A to G substitution at nucleotide position 3883. The serine at codon 1295 is replaced by glycine, an amino acid with similar properties. This amino acid position is well conserved in available vertebrate species. In addition, the in silico prediction for this alteration is inconclusive. Since supporting evidence is limited at this time, the clinical significance of this alteration remains unclear.

Molecular Diagnostic Laboratory for Inherited Cardiovascular Disease, Montreal Heart Institute
Classification: Uncertain significance for Cardiovascular phenotype. Last evaluated: 2025-04-09. Review status: criteria provided, single submitter. Criteria: ACMG Guidelines, 2015. Collection method: clinical testing. Allele origin: germline. Affected: yes.
Comment: PP2

Color Diagnostics, LLC DBA Color Health
Classification: Likely benign for Cardiomyopathy. Last evaluated: 2025-01-13. Review status: criteria provided, single submitter. Criteria: ACMG Guidelines, 2015. Collection method: clinical testing. Allele origin: germline.

All of Us Research Program, National Institutes of Health
Classification: Uncertain significance for Catecholaminergic polymorphic ventricular tachycardia. Last evaluated: 2024-09-11. Review status: criteria provided, single submitter. Criteria: ACMG Guidelines, 2015. Collection method: clinical testing. Allele origin: germline. Inheritance: Autosomal dominant inheritance. Observed: 34 variant alleles, 33 heterozygotes, 1 homozygote.
Comment: This missense variant replaces serine with glycine at codon 1295 of the RYR2 protein. Computational prediction suggests that this variant may not impact protein structure and function (internally defined REVEL score threshold <= 0.5, PMID: 27666373). To our knowledge, functional studies have not been reported for this variant. This variant has not been reported in individuals affected with cardiovascular disorders in the literature. This variant has been identified in 22/277116 chromosomes in the general population by the Genome Aggregation Database (gnomAD). The available evidence is insufficient to determine the role of this variant in disease conclusively. Therefore, this variant is classified as a Variant of Uncertain Significance.

This study involves interpretation of variants in research participants for the purpose of population health screening. Participant phenotype was not available at the time of variant classification. Additional details can be found in publication PMID: 35346344, PMCID: PMC8962531

Fulgent Genetics
Classification: Uncertain significance for Ventricular arrhythmias due to cardiac ryanodine receptor calcium release deficiency syndrome; Catecholaminergic polymorphic ventricular tachycardia 1. Last evaluated: 2021-12-07. Review status: criteria provided, single submitter. Criteria: ACMG Guidelines, 2015. Collection method: clinical testing. Allele origin: unknown.

CHEO Genetics Diagnostic Laboratory, Children's Hospital of Eastern Ontario
Classification: Uncertain significance for Cardiomyopathy. Last evaluated: 2020-07-03. Review status: criteria provided, single submitter. Criteria: ACMG Guidelines, 2015. Collection method: clinical testing. Allele origin: germline.

Clinical Genetics DNA and cytogenetics Diagnostics Lab, Erasmus MC, Erasmus Medical Center
Classification: Uncertain significance. Review status: no assertion criteria provided. Collection method: clinical testing. Allele origin: germline. Affected: yes. Study: VKGL Data-share Consensus. Not counted in ClinVar's aggregate classification.

Joint Genome Diagnostic Labs from Nijmegen and Maastricht, Radboudumc and MUMC+
Classification: Uncertain significance. Review status: no assertion criteria provided. Collection method: clinical testing. Allele origin: germline. Affected: yes. Study: VKGL Data-share Consensus. Not counted in ClinVar's aggregate classification.

Literature cited by the submitters: PubMed 35819174 (cited by Women's Health and Genetics/Laboratory Corporation of America, LabCorp).